The following is an entry in ClinVar:

NM_015346.4(ZFYVE26):c.4061G>A (p.Arg1354Gln)

Gene: ZFYVE26 (zinc finger FYVE-type containing 26; minus strand). Cytogenetic location: 14q24.1.
Variant type: single nucleotide variant.
Coding change: c.4061G>A on transcript NM_015346.4 (MANE Select); coding-DNA position 4061, G replaced by A.
Protein change: p.Arg1354Gln; replaces arginine 1354 with glutamine.
Molecular consequence: missense variant.
Genome position (GRCh38, 1-based): chr14:67,783,091, C>T on the plus strand (G>A on the coding strand, the complement: ZFYVE26 is on the minus strand). VCF-style: chr14-67783091-C-T. GRCh37 (hg19) VCF-style: chr14-68249808-C-T.
Other names: p.Arg1354Gln; c.4061G>A (NM_015346.3); short protein forms R1354Q.
Identifiers: ClinVar variation 2074221 (VCV002074221.10), dbSNP rs779264975, ClinGen allele CA7239845.

ClinVar aggregate classification (germline): Conflicting classifications of pathogenicity. Review status: criteria provided, conflicting classifications (1 of 4 stars). 5 submissions from 5 submitters: Uncertain significance (3); Likely benign (2). Last evaluated 2024-12-07.

Conditions:
Hereditary spastic paraplegia 15 (SPG15). Also called: SPASTIC PARAPLEGIA 15, AUTOSOMAL RECESSIVE; KJELLIN SYNDROME; SPASTIC PARAPLEGIA AND RETINAL DEGENERATION. Identifiers: Orphanet 100996, MedGen C1849128, MONDO:0010044, OMIM 270700.
Spastic paraplegia. Identifiers: MedGen C0037772, HP:0001258.
Inborn genetic diseases. Identifiers: MedGen C0950123, MeSH D030342.

Allele frequency attached by ClinVar (database versions not stated): ExAC 0.00002; TOPMed 0.00004; gnomAD 0.00005.

Submissions (5):

Ambry Genetics
Classification: Likely benign for Inborn genetic diseases. Last evaluated: 2024-12-07. Review status: criteria provided, single submitter. Criteria: Ambry Variant Classification Scheme 2023. Collection method: clinical testing. Allele origin: germline.

Blueprint Genetics
Classification: Likely benign. Last evaluated: 2024-06-17. Review status: criteria provided, single submitter. Criteria: ACMG Guidelines, 2015. Collection method: clinical testing. Allele origin: germline.

Labcorp Genetics (formerly Invitae), Labcorp
Classification: Uncertain significance for Spastic paraplegia. Last evaluated: 2024-04-30. Review status: criteria provided, single submitter. Criteria: Invitae Variant Classification Sherloc (09022015). Collection method: clinical testing. Allele origin: germline.
Comment: This sequence change replaces arginine, which is basic and polar, with glutamine, which is neutral and polar, at codon 1354 of the ZFYVE26 protein (p.Arg1354Gln). This variant is present in population databases (rs779264975, gnomAD 0.006%). This variant has not been reported in the literature in individuals affected with ZFYVE26-related conditions. ClinVar contains an entry for this variant (Variation ID: 2074221). Algorithms developed to predict the effect of missense changes on protein structure and function output the following: SIFT: "Not Available"; PolyPhen-2: "Benign"; Align-GVGD: "Not Available". The glutamine amino acid residue is found in multiple mammalian species, which suggests that this missense change does not adversely affect protein function. In summary, the available evidence is currently insufficient to determine the role of this variant in disease. Therefore, it has been classified as a Variant of Uncertain Significance.

Mayo Clinic Laboratories, Mayo Clinic
Classification: Uncertain significance. Last evaluated: 2023-08-18. Review status: criteria provided, single submitter. Criteria: ACMG Guidelines, 2015. Collection method: clinical testing. Allele origin: germline. Observed: 1 variant allele.
Comment: BP4, PM2_moderate

Revvity Omics, Revvity
Classification: Uncertain significance for Hereditary spastic paraplegia 15. Last evaluated: 2022-01-04. Review status: criteria provided, single submitter. Criteria: ACMG Guidelines, 2015. Collection method: clinical testing. Allele origin: germline.